The following is an entry in ClinVar:

NM_152703.5(SAMD9L):c.2627T>C (p.Ile876Thr)

Gene: SAMD9L (sterile alpha motif domain containing 9 like; minus strand). Cytogenetic location: 7q21.2.
Variant type: single nucleotide variant.
Coding change: c.2627T>C on transcript NM_152703.5 (MANE Select); coding-DNA position 2627, T replaced by C.
Protein change: p.Ile876Thr; replaces isoleucine 876 with threonine.
Molecular consequence: missense variant.
Genome position (GRCh38, 1-based): chr7:93,133,345, A>G on the plus strand (T>C on the coding strand, the complement: SAMD9L is on the minus strand). VCF-style: chr7-93133345-A-G. GRCh37 (hg19) VCF-style: chr7-92762658-A-G.
Other names: c.2627T>C, p.Ile876Thr (NM_001303496.3, NM_001303497.3, NM_001303498.3 and 5 more transcripts); short protein forms I876T.
Identifiers: ClinVar variation 2754279 (VCV002754279.3), dbSNP rs2535418775, ClinGen allele CA368186842.

ClinVar aggregate classification (germline): Uncertain significance (1 of 4 stars; one submission).

Submission:

Labcorp Genetics (formerly Invitae), Labcorp
Classification: Uncertain significance. Last evaluated: 2025-06-26. Review status: criteria provided, single submitter. Criteria: Invitae Variant Classification Sherloc (09022015). Collection method: clinical testing. Allele origin: germline.
Comment: This sequence change replaces isoleucine, which is neutral and non-polar, with threonine, which is neutral and polar, at codon 876 of the SAMD9L protein (p.Ile876Thr). This variant is not present in population databases (gnomAD no frequency). This missense change has been observed in individual(s) with myelodysplastic syndrome (PMID: 34621053). ClinVar contains an entry for this variant (Variation ID: 2754279). Invitae Evidence Modeling of protein sequence and biophysical properties (such as structural, functional, and spatial information, amino acid conservation, physicochemical variation, residue mobility, and thermodynamic stability) indicates that this missense variant is expected to disrupt SAMD9L protein function with a positive predictive value of 80%. Experimental studies have shown that this missense change affects SAMD9L function (PMID: 34621053). In summary, the available evidence is currently insufficient to determine the role of this variant in disease. Therefore, it has been classified as a Variant of Uncertain Significance.

Literature cited by the submitters: PubMed 34621053.